The following is an entry in ClinVar:

NM_020779.4(WDR35):c.2053C>T (p.Pro685Ser)

Gene: WDR35 (WD repeat domain 35; minus strand). Cytogenetic location: 2p24.1.
Variant type: single nucleotide variant.
Coding change: c.2053C>T on transcript NM_020779.4 (MANE Select); coding-DNA position 2053, C replaced by T.
Protein change: p.Pro685Ser; replaces proline 685 with serine.
Molecular consequence: missense variant.
Genome position (GRCh38, 1-based): chr2:19,938,275, G>A on the plus strand (C>T on the coding strand, the complement: WDR35 is on the minus strand). VCF-style: chr2-19938275-G-A. GRCh37 (hg19) VCF-style: chr2-20138036-G-A.
Other names: c.2086C>T, p.Pro696Ser (NM_001006657.2); short protein forms P685S, P696S.
Identifiers: ClinVar variation 5018696 (VCV005018696.3).

ClinVar aggregate classification (germline): Uncertain significance (1 of 4 stars; one submission).

Conditions:
Short-rib thoracic dysplasia 7 with or without polydactyly (SRTD7). Also called: SHORT-RIB THORACIC DYSPLASIA 7 WITH POLYDACTYLY; Short rib polydactyly syndrome 5. Identifiers: Orphanet 498497, Orphanet 93271, MedGen C3279792, MONDO:0013569, OMIM 614091.
Cranioectodermal dysplasia 2 (CED2). Identifiers: Orphanet 1515, MedGen C3150874, MONDO:0013323, OMIM 613610.

gnomAD v4.1: 1 of 1,613,932 alleles (0.000062%); highest among the groups gnomAD compares: East Asian, 0.0022%; no homozygotes.

Submission:

Juno Genomics, Hangzhou Juno Genomics, Inc
Classification: Uncertain significance for Short-rib thoracic dysplasia 7 with or without polydactyly; Cranioectodermal dysplasia 2. Review status: criteria provided, single submitter. Criteria: ACMG Guidelines, 2015. Collection method: clinical testing. Allele origin: germline.
Comment: Absent from controls (or at extremely low frequency if recessive) in Genome Aggregation Database.;Multiple lines of computational evidence support a deleterious effect on the gene or gene product.